The following is an entry in ClinVar:

ClinVar aggregate classification (germline): Uncertain significance. Review status: criteria provided, multiple submitters, no conflicts (2 of 4 stars). 2 submissions from 2 submitters: Uncertain significance (2). Last evaluated 2024-10-08.

Allele frequency attached by ClinVar (database versions not stated): TOPMed 0.00003; gnomAD 0.00001; gnomAD exomes 0.00007 and 0.00009; ExAC 0.00011; ESP Exome Variant Server 0.00015.
gnomAD v4.1: 110 of 1,614,038 alleles (0.0068%); highest among the groups gnomAD compares: South Asian, 0.055%; no homozygotes.

Submissions (2):

Blueprint Genetics
Classification: Uncertain significance. Last evaluated: 2024-10-08. Review status: criteria provided, single submitter. Criteria: ACMG Guidelines, 2015. Collection method: clinical testing. Allele origin: germline.

Labcorp Genetics (formerly Invitae), Labcorp
Classification: Uncertain significance. Last evaluated: 2022-07-31. Review status: criteria provided, single submitter. Criteria: Invitae Variant Classification Sherloc (09022015). Collection method: clinical testing. Allele origin: germline.
Comment: This sequence change replaces histidine, which is basic and polar, with aspartic acid, which is acidic and polar, at codon 94 of the SLC45A2 protein (p.His94Asp). This variant is present in population databases (rs375468358, gnomAD 0.04%). This missense change has been observed in individual(s) with oculocutaneous albinism (PMID: 18463683, 24096233, 27734839). ClinVar contains an entry for this variant (Variation ID: 1404787). Algorithms developed to predict the effect of missense changes on protein structure and function are either unavailable or do not agree on the potential impact of this missense change (SIFT: "Tolerated"; PolyPhen-2: "Possibly Damaging"; Align-GVGD: "Class C0"). In summary, the available evidence is currently insufficient to determine the role of this variant in disease. Therefore, it has been classified as a Variant of Uncertain Significance.

Literature cited by the submitters: PubMed 18463683 (cited by Labcorp Genetics (formerly Invitae), Labcorp); PubMed 24096233 (cited by Labcorp Genetics (formerly Invitae), Labcorp); PubMed 27734839 (cited by Labcorp Genetics (formerly Invitae), Labcorp).

NM_016180.5(SLC45A2):c.280C>G (p.His94Asp)

Gene: SLC45A2 (solute carrier family 45 member 2; minus strand). Cytogenetic location: 5p13.2.
Variant type: single nucleotide variant.
Coding change: c.280C>G on transcript NM_016180.5 (MANE Select); coding-DNA position 280, C replaced by G.
Protein change: p.His94Asp; replaces histidine 94 with aspartic acid.
Molecular consequence: missense variant.
Genome position (GRCh38, 1-based): chr5:33,984,304, G>C on the plus strand (C>G on the coding strand, the complement: SLC45A2 is on the minus strand). VCF-style: chr5-33984304-G-C. GRCh37 (hg19) VCF-style: chr5-33984409-G-C.
Other names: c.280C>G, p.His94Asp (NM_001012509.4, NM_001297417.4); short protein forms H94D.
Identifiers: ClinVar variation 1404787 (VCV001404787.4), dbSNP rs375468358, ClinGen allele CA3225835.